The following is an entry in ClinVar:

NM_004259.7(RECQL5):c.1586-8_1586-7insG

Gene: RECQL5 (RecQ like helicase 5; minus strand). Cytogenetic location: 17q25.1.
Variant type: Insertion.
Coding change: c.1586-8_1586-7insG on transcript NM_004259.7 (MANE Select); 8 bases into the intron before coding-DNA position 1586 through 7 bases into the intron before coding-DNA position 1586, G inserted.
Molecular consequence: intron variant.
Genome position: GRCh38 VCF-style: chr17-75630844-G-GC. GRCh37 (hg19) VCF-style: chr17-73626924-G-GC.
Identifiers: ClinVar variation 3057156 (VCV003057156.2), dbSNP rs752469432, ClinGen allele CA8767383.

ClinVar aggregate classification (germline): Benign (0 of 4 stars; one submission).

Conditions:
RECQL5-related disorder. Also called: RECQL5-related condition.

Submission:

PreventionGenetics, part of Exact Sciences
Classification: Benign for RECQL5-related condition. Last evaluated: 2019-11-25. Review status: no assertion criteria provided. Collection method: clinical testing. Allele origin: germline.
Comment: This variant is classified as benign based on ACMG/AMP sequence variant interpretation guidelines (Richards et al. 2015 PMID: 25741868, with internal and published modifications).